The following is an entry in ClinVar:

NM_201253.3(CRB1):c.2166T>C (p.Thr722=)

Gene: CRB1 (crumbs cell polarity complex component 1; plus strand). Cytogenetic location: 1q31.3.
Variant type: single nucleotide variant.
Coding change: c.2166T>C on transcript NM_201253.3 (MANE Select); coding-DNA position 2166, T replaced by C.
Protein change: p.Thr722=; no amino-acid change (threonine 722 retained).
Molecular consequence: synonymous variant. On other transcripts: non-coding transcript variant (2), intron variant (1).
Genome position (GRCh38, 1-based): chr1:197,427,491, T>C. VCF-style: chr1-197427491-T-C. GRCh37 (hg19) VCF-style: chr1-197396621-T-C.
Other names: c.1830T>C, p.Thr610= (NM_001193640.2); c.1959T>C, p.Thr653= (NM_001257965.2); c.2128+5535T>C (NM_001257966.2); c.2166T>C (NM_201253.2).
Identifiers: ClinVar variation 1151262 (VCV001151262.10), dbSNP rs1401615070, ClinGen allele CA422808858.
Genomic context (GRCh38, chr1:197,427,491, plus strand): 5'-CCTCCTCTATTTTGACATTGAAGAGTATGTGGCAGGCAGATTTGGCCAGGATGACTCCAC[T>C]GGTTATGTCATCTTTACTCTTGATGAGAGCTATGGAGACACCATCAGCCTCTCCATGTTT-3'
Protein context (NP_957705.1, residues 712-732): VAGRFGQDDS[Thr722=]GYVIFTLDES

ClinVar aggregate classification (germline): Likely benign. Review status: criteria provided, multiple submitters, no conflicts (2 of 4 stars). 2 submissions from 2 submitters: Likely benign (2). Last evaluated 2025-03-11.

Conditions:
CRB1-related disorder. Also called: CRB1-related condition; CRB1-related disorders.
Retinitis pigmentosa 12 (RP12). Also called: RP WITH OR WITHOUT PPRPE; RP WITH OR WITHOUT PRESERVED PARAARTERIOLE RETINAL PIGMENT EPITHELIUM; RETINITIS PIGMENTOSA WITH OR WITHOUT PARAARTERIOLAR PRESERVATION OF RETINAL PIGMENT EPITHELIUM. Identifiers: Orphanet 791, MedGen C1838647, MONDO:0010818, OMIM 600105.
Leber congenital amaurosis 8 (LCA8). Identifiers: Orphanet 65, MedGen C3151202, MONDO:0013453, OMIM 613835.

Allele frequency attached by ClinVar (database versions not stated): gnomAD exomes below 0.00001 and 0.00001; TOPMed below 0.00001; gnomAD 0.00001.
gnomAD v4.1: 12 of 1,613,876 alleles (0.00074%); highest among the groups gnomAD compares: African/African-American, 0.0027%; no homozygotes.

Submissions (2):

PreventionGenetics, part of Exact Sciences
Classification: Likely benign for CRB1-related condition. Last evaluated: 2025-03-11. Review status: criteria provided, single submitter. Criteria: ACMG Guidelines, 2015. Collection method: clinical testing. Allele origin: germline.
Comment: This variant is classified as likely benign based on ACMG/AMP sequence variant interpretation guidelines (Richards et al. 2015 PMID: 25741868, with internal and published modifications).

Labcorp Genetics (formerly Invitae), Labcorp
Classification: Likely benign for Leber congenital amaurosis 8; Retinitis pigmentosa 12. Last evaluated: 2024-02-14. Review status: criteria provided, single submitter. Criteria: Invitae Variant Classification Sherloc (09022015). Collection method: clinical testing. Allele origin: germline.